The following is an entry in ClinVar:

NM_001430.5(EPAS1):c.*1878T>C

Gene: EPAS1 (endothelial PAS domain protein 1; plus strand). Cytogenetic location: 2p21.
Variant type: single nucleotide variant.
Coding change: c.*1878T>C on transcript NM_001430.5 (MANE Select); 1878 bases downstream of the stop codon, T replaced by C.
Molecular consequence: 3 prime UTR variant.
Genome position (GRCh38, 1-based): chr2:46,386,538, T>C. VCF-style: chr2-46386538-T-C. GRCh37 (hg19) VCF-style: chr2-46613677-T-C.
Identifiers: ClinVar variation 336323 (VCV000336323.5), dbSNP rs570138573, ClinGen allele CA10615664.

ClinVar aggregate classification (germline): Benign (1 of 4 stars; one submission).

Conditions:
Erythrocytosis, familial, 4 (ECYT4). Identifiers: Orphanet 247511, MedGen C2673187, MONDO:0012729, OMIM 611783.

Allele frequency attached by ClinVar (database versions not stated): gnomAD 0.00002 and 0.00028; 1000 Genomes Project 0.00200; 1000 Genomes Project 30x 0.00203; TOPMed 0.00008.

Submission:

Illumina Laboratory Services, Illumina
Classification: Benign for Erythrocytosis, familial, 4. Last evaluated: 2018-01-12. Review status: criteria provided, single submitter. Criteria: ICSL Variant Classification Criteria 13 December 2019. Collection method: clinical testing. Allele origin: germline.
Comment: This variant was observed in the ICSL laboratory as part of a predisposition screen in an ostensibly healthy population. It had not been previously curated by ICSL or reported in the Human Gene Mutation Database (HGMD: prior to June 1st, 2018), and was therefore a candidate for classification through an automated scoring system. Utilizing variant allele frequency, disease prevalence and penetrance estimates, and inheritance mode, an automated score was calculated to assess if this variant is too frequent to cause the disease. Based on the score and internal cut-off values, a variant classified as benign is not then subjected to further curation. The score for this variant resulted in a classification of benign for this disease.